The following is an entry in ClinVar:

NC_000023.10:g.(?_107858121)_(107979574_?)del

Genes: COL4A5 (collagen type IV alpha 5 chain; plus strand), IRS4 (insulin receptor substrate 4; minus strand). Cytogenetic location: Xq22.3.
Variant type: Deletion.
Identifiers: ClinVar variation 2423166 (VCV002423166.3).

ClinVar aggregate classification (germline): Pathogenic (1 of 4 stars; one submission).

Submission:

Labcorp Genetics (formerly Invitae), Labcorp
Classification: Pathogenic. Last evaluated: 2022-08-09. Review status: criteria provided, single submitter. Criteria: Invitae Variant Classification Sherloc (09022015). Collection method: clinical testing. Allele origin: germline.
Comment: This variant is a gross deletion of the genomic region encompassing exon(s) 30-51 of the COL4A5 gene, which includes the termination codon. This deletion extends beyond the assayed region for this gene and therefore may encompass additional genes. While this deletion is not anticipated to lead to nonsense mediated decay, it is expected to alter mRNA translation or result in a truncated protein product. This variant has not been reported in the literature in individuals affected with COL4A5-related conditions. This variant disrupts the triple helix domain of COL4A5. Glycine residues within the Gly-Xaa-Yaa repeats of the triple helix domain are required for the structure and stability of fibrillar collagens (PMID: 7695699, 8218237, 19344236). In COL4A5, missense variants at these glycine residues are significantly enriched in individuals with disease (PMID: 23720012, 27627812) compared to the general population (ExAC). For these reasons, this variant has been classified as Pathogenic.

Literature cited by the submitters: PubMed 7695699; PubMed 8218237; PubMed 19344236; PubMed 23720012; PubMed 27627812.